The following is an entry in ClinVar:

NM_004456.5(EZH2):c.1751A>C (p.Glu584Ala)

Gene: EZH2 (enhancer of zeste 2 polycomb repressive complex 2 subunit; minus strand). Cytogenetic location: 7q36.1.
Variant type: single nucleotide variant.
Coding change: c.1751A>C on transcript NM_004456.5 (MANE Select); coding-DNA position 1751, A replaced by C.
Protein change: p.Glu584Ala; replaces glutamic acid 584 with alanine.
Molecular consequence: missense variant.
Genome position (GRCh38, 1-based): chr7:148,814,059, T>G on the plus strand (A>C on the coding strand, the complement: EZH2 is on the minus strand). VCF-style: chr7-148814059-T-G. GRCh37 (hg19) VCF-style: chr7-148511151-T-G.
Other names: c.1736A>C, p.Glu579Ala (NM_001203247.2); c.1709A>C, p.Glu570Ala (NM_001203248.2); c.1583A>C, p.Glu528Ala (NM_001203249.2); c.1619A>C, p.Glu540Ala (NM_152998.3); short protein forms E528A, E540A, E570A, E579A, E584A.
Identifiers: ClinVar variation 4072684 (VCV004072684.1).
Genomic context (GRCh38, chr7:148,814,059, plus strand): 5'-ACATTTTTACTGTCCCAATGGTCAGCGGCTCCACAAGTAAGACAGAGGTCAGGGTCACAC[T>G]CTCGGACAGCCAGGTAGCACGGGCACTGCTTGGTGTTGCACTGTGCTTTGCAGCGGCATC-3'
Protein context (NP_004447.2, residues 574-594): KQCPCYLAVR[Glu584Ala]CDPDLCLTCG

ClinVar aggregate classification (germline): Uncertain significance (1 of 4 stars; one submission).

Submission:

GeneDx
Classification: Uncertain significance. Last evaluated: 2025-01-29. Review status: criteria provided, single submitter. Criteria: GeneDx Variant Classification Process June 2021. Collection method: clinical testing. Allele origin: germline. Affected: yes.
Comment: Not observed at significant frequency in large population cohorts (gnomAD); In silico analysis supports that this missense variant has a deleterious effect on protein structure/function; Has not been previously published as pathogenic or benign to our knowledge